The following is an entry in ClinVar:

ClinVar aggregate classification (germline): Conflicting classifications of pathogenicity. Review status: criteria provided, conflicting classifications (1 of 4 stars). 5 submissions from 2 submitters: Uncertain significance (3); Benign (1); Likely benign (1). Last evaluated 2026-01-26.

Conditions:
Combined PSAP deficiency (PSAPD). Also called: COMBINED SAP DEFICIENCY; PROSAPOSIN DEFICIENCY; Encephalopathy due to prosaposin deficiency. Identifiers: Orphanet 139406, MedGen C2673635, MONDO:0012719, OMIM 611721.
Gaucher disease due to saposin C deficiency. Also called: Atypical Gaucher disease due to saposin C deficiency; Saposin C Deficiency. Identifiers: Orphanet 309252, Orphanet 355, MedGen C1864651, MONDO:0012517, OMIM 610539.
Krabbe disease due to saposin A deficiency. Also called: Saposin A Deficiency; KRABBE DISEASE, ATYPICAL, DUE TO SAPOSIN A DEFICIENCY. Identifiers: Orphanet 487, MedGen C2673266, MONDO:0012720, OMIM 611722.
Sphingolipid activator protein 1 deficiency. Also called: Saposin B Deficiency; METACHROMATIC LEUKODYSTROPHY DUE TO CEREBROSIDE SULFATASE ACTIVATOR DEFICIENCY; Metachromatic leukodystrophy due to saposin B deficiency. Identifiers: Orphanet 512, MedGen C0268262, MONDO:0009590, OMIM 249900.

Allele frequency attached by ClinVar (database versions not stated): gnomAD exomes 0.00006 and 0.00011; ExAC 0.00012; ESP Exome Variant Server 0.00031; gnomAD 0.00052 and 0.00055; TOPMed 0.00056; 1000 Genomes Project 0.00060; 1000 Genomes Project 30x 0.00062.
gnomAD v4.1: 173 of 1,613,402 alleles (0.011%); highest among the groups gnomAD compares: African/African-American, 0.2%; no homozygotes.

Submissions (5):

Labcorp Genetics (formerly Invitae), Labcorp
Classification: Likely benign for Sphingolipid activator protein 1 deficiency. Last evaluated: 2026-01-26. Review status: criteria provided, single submitter. Criteria: Invitae Variant Classification Sherloc (09022015). Collection method: clinical testing. Allele origin: germline.

Illumina Laboratory Services, Illumina
Classification: Uncertain significance for Krabbe disease due to saposin A deficiency. Last evaluated: 2018-01-12. Review status: criteria provided, single submitter. Criteria: ICSL Variant Classification Criteria 13 December 2019. Collection method: clinical testing. Allele origin: germline.

Illumina Laboratory Services, Illumina
Classification: Benign for Gaucher disease due to saposin C deficiency. Last evaluated: 2018-01-12. Review status: criteria provided, single submitter. Criteria: ICSL Variant Classification Criteria 13 December 2019. Collection method: clinical testing. Allele origin: germline.
Comment: This variant was observed in the ICSL laboratory as part of a predisposition screen in an ostensibly healthy population. It had not been previously curated by ICSL or reported in the Human Gene Mutation Database (HGMD: prior to June 1st, 2018), and was therefore a candidate for classification through an automated scoring system. Utilizing variant allele frequency, disease prevalence and penetrance estimates, and inheritance mode, an automated score was calculated to assess if this variant is too frequent to cause the disease. Based on the score and internal cut-off values, a variant classified as benign is not then subjected to further curation. The score for this variant resulted in a classification of benign for this disease.

Illumina Laboratory Services, Illumina
Classification: Uncertain significance for Combined PSAP deficiency. Last evaluated: 2018-01-12. Review status: criteria provided, single submitter. Criteria: ICSL Variant Classification Criteria 13 December 2019. Collection method: clinical testing. Allele origin: germline.

Illumina Laboratory Services, Illumina
Classification: Uncertain significance for Sphingolipid activator protein 1 deficiency. Last evaluated: 2018-01-12. Review status: criteria provided, single submitter. Criteria: ICSL Variant Classification Criteria 13 December 2019. Collection method: clinical testing. Allele origin: germline.

NM_002778.4(PSAP):c.41-13G>C

Gene: PSAP (prosaposin; minus strand). Cytogenetic location: 10q22.1.
Variant type: single nucleotide variant.
Coding change: c.41-13G>C on transcript NM_002778.4 (MANE Select); 13 bases into the intron before coding-DNA position 41, G replaced by C.
Molecular consequence: intron variant.
Genome position (GRCh38, 1-based): chr10:71,834,518, C>G on the plus strand (G>C on the coding strand, the complement: PSAP is on the minus strand). VCF-style: chr10-71834518-C-G. GRCh37 (hg19) VCF-style: chr10-73594275-C-G.
Other names: c.41-13G>C (NM_001042466.3, NM_001042465.3).
Identifiers: ClinVar variation 300538 (VCV000300538.12), dbSNP rs138010978, ClinGen allele CA5547926.
Genomic context (GRCh38, chr10:71,834,518, plus strand): 5'-CCGAGCCCCTGGTGCATTCTTTCAGTCCAAGGACCGGGCCGGCTAGAGCTAAAATGAAAA[C>G]CAACGTGAGGAGGTGGCCCATTTTGTAGCAAACCAGGTCGACCTGACTTATTTCCCCAGG-3'